The following is an entry in ClinVar:

NM_001330260.2(SCN8A):c.1940G>C (p.Gly647Ala)

Gene: SCN8A (sodium voltage-gated channel alpha subunit 8; plus strand). Cytogenetic location: 12q13.13.
Variant type: single nucleotide variant.
Coding change: c.1940G>C on transcript NM_001330260.2 (MANE Select); coding-DNA position 1940, G replaced by C.
Protein change: p.Gly647Ala; replaces glycine 647 with alanine.
Molecular consequence: missense variant.
Genome position (GRCh38, 1-based): chr12:51,721,850, G>C. VCF-style: chr12-51721850-G-C. GRCh37 (hg19) VCF-style: chr12-52115634-G-C.
Other names: c.1940G>C, p.Gly647Ala (NM_001177984.3, NM_001369788.1, NM_014191.4); short protein forms G647A.
Identifiers: ClinVar variation 2850010 (VCV002850010.3), dbSNP rs2540204476, ClinGen allele CA385229906.

ClinVar aggregate classification (germline): Uncertain significance (1 of 4 stars; one submission).

Conditions:
Early-infantile DEE. Also called: Ohtahara syndrome; Early infantile epileptic encephalopathy with suppression bursts; Early infantile epileptic encephalopathy. Identifiers: Orphanet 1934, MedGen C0393706, MONDO:0800491.

Submission:

Labcorp Genetics (formerly Invitae), Labcorp
Classification: Uncertain significance for Early-infantile DEE. Last evaluated: 2023-04-30. Review status: criteria provided, single submitter. Criteria: Invitae Variant Classification Sherloc (09022015). Collection method: clinical testing. Allele origin: germline.
Comment: This variant has not been reported in the literature in individuals affected with SCN8A-related conditions. In summary, the available evidence is currently insufficient to determine the role of this variant in disease. Therefore, it has been classified as a Variant of Uncertain Significance. Advanced modeling of protein sequence and biophysical properties (such as structural, functional, and spatial information, amino acid conservation, physicochemical variation, residue mobility, and thermodynamic stability) performed at Invitae indicates that this missense variant is expected to disrupt SCN8A protein function. This variant is not present in population databases (gnomAD no frequency). This sequence change replaces glycine, which is neutral and non-polar, with alanine, which is neutral and non-polar, at codon 647 of the SCN8A protein (p.Gly647Ala).